The following is an entry in ClinVar:

ClinVar aggregate classification (germline): Uncertain significance (1 of 4 stars; one submission).

Conditions:
Melanoma, cutaneous malignant, susceptibility to, 5. Also called: Cutaneous malignant melanoma 5. Identifiers: Orphanet 618, MedGen C2751295, MONDO:0013133, OMIM 613099.

Allele frequency attached by ClinVar (database versions not stated): gnomAD exomes below 0.00001 and 0.00001; ExAC 0.00003.
gnomAD v4.1: 11 of 1,588,616 alleles (0.00069%); highest among the groups gnomAD compares: Non-Finnish European, 0.00077%; no homozygotes.

Submission:

Labcorp Genetics (formerly Invitae), Labcorp
Classification: Uncertain significance for Melanoma, cutaneous malignant, susceptibility to, 5. Last evaluated: 2019-08-02. Review status: criteria provided, single submitter. Criteria: Invitae Variant Classification Sherloc (09022015). Collection method: clinical testing. Allele origin: germline.
Comment: In summary, this variant is a rare missense change that is not predicted to affect protein function. There is no indication that it causes disease, but the available evidence is currently insufficient to prove that conclusively. Therefore, it has been classified as a Variant of Uncertain Significance. Algorithms developed to predict the effect of missense changes on protein structure and function output the following: (SIFT: "Tolerated"; PolyPhen-2: "Benign"; Align-GVGD: "Class C0"). The arginine amino acid residue is found in multiple mammalian species, suggesting that this missense change does not adversely affect protein function. These predictions have not been confirmed by published functional studies. This variant is present in population databases (rs781549818, ExAC 0.006%) but has not been reported in the literature in individuals with a MC1R-related disease. This sequence change replaces glutamine with arginine at codon 7 of the MC1R protein (p.Gln7Arg). The glutamine residue is moderately conserved and there is a small physicochemical difference between glutamine and arginine.

NM_002386.4(MC1R):c.20A>G (p.Gln7Arg)

Gene: MC1R (melanocortin 1 receptor; plus strand). Cytogenetic location: 16q24.3.
Variant type: single nucleotide variant.
Coding change: c.20A>G on transcript NM_002386.4 (MANE Select); coding-DNA position 20, A replaced by G.
Protein change: p.Gln7Arg; replaces glutamine 7 with arginine.
Molecular consequence: missense variant.
Genome position (GRCh38, 1-based): chr16:89,919,278, A>G. VCF-style: chr16-89919278-A-G. GRCh37 (hg19) VCF-style: chr16-89985686-A-G.
Other names: short protein forms Q7R.
Identifiers: ClinVar variation 406215 (VCV000406215.10), dbSNP rs781549818, ClinGen allele CA8255460.